The following is an entry in ClinVar:

NM_018122.5(DARS2):c.1333C>A (p.His445Asn)

Gene: DARS2 (aspartyl-tRNA synthetase 2, mitochondrial; plus strand). Cytogenetic location: 1q25.1.
Variant type: single nucleotide variant.
Coding change: c.1333C>A on transcript NM_018122.5 (MANE Select); coding-DNA position 1333, C replaced by A.
Protein change: p.His445Asn; replaces histidine 445 with asparagine.
Molecular consequence: missense variant. On other transcripts: intron variant (1).
Genome position (GRCh38, 1-based): chr1:173,850,468, C>A. VCF-style: chr1-173850468-C-A. GRCh37 (hg19) VCF-style: chr1-173819606-C-A.
Other names: c.1333C>A, p.His445Asn (NM_001365213.2); c.1192-2881C>A (NM_001365212.1); short protein forms H445N.
Identifiers: ClinVar variation 3234591 (VCV003234591.20), dbSNP rs1044443298, ClinGen allele CA32779622.

ClinVar aggregate classification (germline): Uncertain significance (1 of 4 stars; one submission).

gnomAD v4.1: 4 of 1,613,668 alleles (0.00025%); highest among the groups gnomAD compares: African/African-American, 0.004%; no homozygotes.

Submission:

CeGaT Center for Human Genetics Tuebingen
Classification: Uncertain significance. Last evaluated: 2024-04-01. Review status: criteria provided, single submitter. Criteria: CeGaT Center For Human Genetics Tuebingen Variant Classification Criteria Version 2. Collection method: clinical testing. Allele origin: germline. Affected: yes. Observed: 1 variant allele.
Comment: DARS2: PM2